The following is an entry in ClinVar:

NM_000124.4(ERCC6):c.2798A>T (p.Asp933Val)

Genes: ERCC6 (ERCC excision repair 6, chromatin remodeling factor; minus strand), LOC126860933 (BRD4-independent group 4 enhancer GRCh37_chr10:50679962-50681161; plus strand). Cytogenetic location: 10q11.23.
Variant type: single nucleotide variant.
Coding change: c.2798A>T on transcript NM_000124.4 (MANE Select); coding-DNA position 2798, A replaced by T.
Protein change: p.Asp933Val; replaces aspartic acid 933 with valine.
Molecular consequence: missense variant.
Genome position (GRCh38, 1-based): chr10:49,472,940, T>A on the plus strand (A>T on the coding strand, the complement: ERCC6 is on the minus strand). VCF-style: chr10-49472940-T-A. GRCh37 (hg19) VCF-style: chr10-50680986-T-A.
Other names: c.2798A>T, p.Asp933Val (NM_001346440.2); short protein forms D933V.
Identifiers: ClinVar variation 1993399 (VCV001993399.4), dbSNP rs997120106, ClinGen allele CA206586707.
Genomic context (GRCh38, chr10:49,472,940, plus strand): 5'-ATTCTTTTAAAAAAAAAATAAAAACAAACCTGCGTGTCCGTGCTTGGGTTCCAGTCTGGG[T>A]CATAGATGACAACTCTGTTTGCCCCCGTCAGGTTGACACCTAAGCCGCCCACCCGCGTGG-3'
Protein context (NP_000115.1, residues 923-943): LTGANRVVIY[Asp933Val]PDWNPSTDTQ

ClinVar aggregate classification (germline): Uncertain significance (1 of 4 stars; one submission).

gnomAD v4.1: 1 of 1,613,768 alleles (0.000062%); no homozygotes.

Submission:

Labcorp Genetics (formerly Invitae), Labcorp
Classification: Uncertain significance. Last evaluated: 2022-07-13. Review status: criteria provided, single submitter. Criteria: Invitae Variant Classification Sherloc (09022015). Collection method: clinical testing. Allele origin: germline.
Comment: This variant is not present in population databases (gnomAD no frequency). This sequence change replaces aspartic acid, which is acidic and polar, with valine, which is neutral and non-polar, at codon 933 of the ERCC6 protein (p.Asp933Val). This variant has not been reported in the literature in individuals affected with ERCC6-related conditions. In summary, the available evidence is currently insufficient to determine the role of this variant in disease. Therefore, it has been classified as a Variant of Uncertain Significance. Algorithms developed to predict the effect of missense changes on protein structure and function are either unavailable or do not agree on the potential impact of this missense change (SIFT: "Deleterious"; PolyPhen-2: "Probably Damaging"; Align-GVGD: "Class C15").